The following is an entry in ClinVar:

ClinVar aggregate classification (germline): Pathogenic. Review status: criteria provided, multiple submitters, no conflicts (2 of 4 stars). 2 submissions from 2 submitters: Pathogenic (2). Last evaluated 2025-05-30.

Conditions:
Microcephaly 5, primary, autosomal recessive (MCPH5). Also called: ASPM Primary Microcephaly. Identifiers: Orphanet 2512, MedGen C1837501, MONDO:0012106, OMIM 608716.

Submissions (2):

GeneDx
Classification: Pathogenic. Last evaluated: 2025-05-30. Review status: criteria provided, single submitter. Criteria: GeneDx Variant Classification Process June 2021. Collection method: clinical testing. Allele origin: germline. Affected: yes.
Comment: Frameshift variant predicted to result in protein truncation or nonsense mediated decay in a gene for which loss of function is a known mechanism of disease; Not observed at significant frequency in large population cohorts (gnomAD); This variant is associated with the following publications: (PMID: 37599996, 23611254, 36964972)

Genetic Services Laboratory, University of Chicago
Classification: Pathogenic for Microcephaly 5, primary, autosomal recessive. Last evaluated: 2013-02-08. Review status: criteria provided, single submitter. Criteria: ACMG Guidelines, 2007. Collection method: clinical testing. Allele origin: germline. Affected: yes.

NM_018136.5(ASPM):c.7857dup (p.Gln2620fs)

Gene: ASPM (assembly factor for spindle microtubules; minus strand). Cytogenetic location: 1q31.3.
Variant type: Duplication.
Coding change: c.7857dup on transcript NM_018136.5 (MANE Select); coding-DNA position 7857, one base duplicated (A; older notation c.7857dupA).
Protein change: p.Gln2620fs; shifts the reading frame from glutamine 2620.
Molecular consequence: frameshift variant. On other transcripts: intron variant (1).
Genome position (GRCh38, 1-based): chr1:197,101,394, T duplicated on the plus strand (A on the coding strand, the reverse complement: ASPM is on the minus strand); the first of 7 consecutive T bases (chr1:197,101,394-197,101,400); duplicating any one gives the same sequence. VCF-style (leftmost placement, unchanged base first): chr1-197101393-G-GT. GRCh37 (hg19) VCF-style: chr1-197070523-G-GT.
Other names: c.4066-5230dup (NM_001206846.2); short protein forms Q2620fs.
Identifiers: ClinVar variation 210360 (VCV000210360.7), dbSNP rs797045316, ClinGen allele CA276961.